The following is an entry in ClinVar:

NM_016169.4(SUFU):c.827A>T (p.Asp276Val)

Gene: SUFU (SUFU negative regulator of hedgehog signaling; plus strand). Cytogenetic location: 10q24.32.
Variant type: single nucleotide variant.
Coding change: c.827A>T on transcript NM_016169.4 (MANE Select); coding-DNA position 827, A replaced by T.
Protein change: p.Asp276Val; replaces aspartic acid 276 with valine.
Molecular consequence: missense variant.
Genome position (GRCh38, 1-based): chr10:102,597,210, A>T. VCF-style: chr10-102597210-A-T. GRCh37 (hg19) VCF-style: chr10-104356967-A-T.
Other names: c.827A>T (NM_016169.3); c.827A>T, p.Asp276Val (NM_001178133.2); short protein forms D276V.
Identifiers: ClinVar variation 1058600 (VCV001058600.10), dbSNP rs772598822, ClinGen allele CA377910508.

ClinVar aggregate classification (germline): Uncertain significance. Review status: criteria provided, multiple submitters, no conflicts (2 of 4 stars). 2 submissions from 2 submitters: Uncertain significance (2). Last evaluated 2026-05-14.

Conditions:
Hereditary cancer-predisposing syndrome. Also called: Hereditary neoplastic syndrome; Neoplastic Syndromes, Hereditary; Tumor predisposition; Hereditary Cancer Syndrome. Identifiers: Orphanet 140162, MedGen C0027672, MeSH D009386, MONDO:0015356.
Gorlin syndrome. Also called: Basal cell nevus syndrome; Nevoid Basal Cell Carcinoma Syndrome. Identifiers: Orphanet 377, MedGen C0004779, MONDO:0007187.
Medulloblastoma (MDB). Also called: Medulloblastoma, somatic; MEDULLOBLASTOMA PREDISPOSITION SYNDROME. Identifiers: Orphanet 616, MedGen C0025149, MeSH D008527, MONDO:0007959, OMIM 155255, HP:0002885.

Submissions (2):

Ambry Genetics
Classification: Uncertain significance for Hereditary cancer-predisposing syndrome. Last evaluated: 2026-05-14. Review status: criteria provided, single submitter. Criteria: Ambry Variant Classification Scheme 2023. Collection method: clinical testing. Allele origin: germline.
Comment: The p.D276V variant (also known as c.827A>T), located in coding exon 7 of the SUFU gene, results from an A to T substitution at nucleotide position 827. The aspartic acid at codon 276 is replaced by valine, an amino acid with highly dissimilar properties. This amino acid position is conserved. In addition, the in silico prediction for this alteration is inconclusive. Based on the available evidence, the clinical significance of this variant remains unclear.

Labcorp Genetics (formerly Invitae), Labcorp
Classification: Uncertain significance for Gorlin syndrome; Medulloblastoma. Last evaluated: 2020-10-05. Review status: criteria provided, single submitter. Criteria: Invitae Variant Classification Sherloc (09022015). Collection method: clinical testing. Allele origin: germline.
Comment: This sequence change replaces aspartic acid with valine at codon 276 of the SUFU protein (p.Asp276Val). The aspartic acid residue is highly conserved and there is a large physicochemical difference between aspartic acid and valine. This variant is not present in population databases (ExAC no frequency). In summary, the available evidence is currently insufficient to determine the role of this variant in disease. Therefore, it has been classified as a Variant of Uncertain Significance. Algorithms developed to predict the effect of missense changes on protein structure and function are either unavailable or do not agree on the potential impact of this missense change (SIFT: "Deleterious"; PolyPhen-2: "Benign"; Align-GVGD: "Class C15"). This variant has not been reported in the literature in individuals with SUFU-related conditions.